The following is an entry in ClinVar:

NM_001142800.2(EYS):c.6547A>G (p.Ser2183Gly)

Gene: EYS (EGF-like photoreceptor maintenance factor; minus strand). Cytogenetic location: 6q12.
Variant type: single nucleotide variant.
Coding change: c.6547A>G on transcript NM_001142800.2 (MANE Select); coding-DNA position 6547, A replaced by G.
Protein change: p.Ser2183Gly; replaces serine 2183 with glycine.
Molecular consequence: missense variant.
Genome position (GRCh38, 1-based): chr6:64,081,880, T>C on the plus strand (A>G on the coding strand, the complement: EYS is on the minus strand). VCF-style: chr6-64081880-T-C. GRCh37 (hg19) VCF-style: chr6-64791773-T-C.
Other names: c.6547A>G, p.Ser2183Gly (NM_001292009.2); short protein forms S2183G.
Identifiers: ClinVar variation 423063 (VCV000423063.18), dbSNP rs368458853, ClinGen allele CA3876904.

ClinVar aggregate classification (germline): Conflicting classifications of pathogenicity. Review status: criteria provided, conflicting classifications (1 of 4 stars). 6 submissions from 6 submitters: Uncertain significance (2); Likely benign (3). 1 of the submissions does not count toward it. Last evaluated 2026-01-27.

Conditions:
EYS-related disorder. Also called: EYS-related condition.
Inborn genetic diseases. Identifiers: MedGen C0950123, MeSH D030342.
Retinitis pigmentosa 25 (RP25). Identifiers: Orphanet 791, MedGen C1864446, MONDO:0011272, OMIM 602772.

Allele frequency attached by ClinVar (database versions not stated): TOPMed 0.00149; 1000 Genomes Project 30x 0.00156; ESP Exome Variant Server 0.00175; gnomAD exomes 0.00012 and 0.00030; ExAC 0.00051; gnomAD 0.00119 and 0.00133; 1000 Genomes Project 0.00140.
gnomAD v4.1: 371 of 1,539,402 alleles (0.024%); highest among the groups gnomAD compares: African/African-American, 0.43%; no homozygotes.

Submissions (6):

Labcorp Genetics (formerly Invitae), Labcorp
Classification: Likely benign. Last evaluated: 2026-01-27. Review status: criteria provided, single submitter. Criteria: Invitae Variant Classification Sherloc (09022015). Collection method: clinical testing. Allele origin: germline.

GeneDx
Classification: Uncertain significance. Last evaluated: 2026-01-07. Review status: criteria provided, single submitter. Criteria: GeneDx Variant Classification Process June 2021. Collection method: clinical testing. Allele origin: germline. Affected: yes.
Comment: In silico analysis suggests that this missense variant does not alter protein structure/function; Has not been previously published as pathogenic or benign to our knowledge

Blueprint Genetics
Classification: Likely benign. Last evaluated: 2024-11-07. Review status: criteria provided, single submitter. Criteria: ACMG Guidelines, 2015. Collection method: clinical testing. Allele origin: germline.

PreventionGenetics, part of Exact Sciences
Classification: Likely benign for EYS-related condition. Last evaluated: 2024-10-14. Review status: criteria provided, single submitter. Criteria: ACMG Guidelines, 2015. Collection method: clinical testing. Allele origin: germline.
Comment: This variant is classified as likely benign based on ACMG/AMP sequence variant interpretation guidelines (Richards et al. 2015 PMID: 25741868, with internal and published modifications).

Ambry Genetics
Classification: Uncertain significance for Inborn genetic diseases. Last evaluated: 2024-06-10. Review status: criteria provided, single submitter. Criteria: Ambry Variant Classification Scheme 2023. Collection method: clinical testing. Allele origin: germline.

Natera, Inc.
Classification: Uncertain significance for Retinitis pigmentosa type 25. Last evaluated: 2019-10-28. Review status: no assertion criteria provided. Collection method: clinical testing. Allele origin: germline. Not counted in ClinVar's aggregate classification.